The following is an entry in ClinVar:

ClinVar aggregate classification (germline): Benign. Review status: criteria provided, multiple submitters, no conflicts (2 of 4 stars). 2 submissions from 2 submitters: Benign (2). Last evaluated 2018-01-12.

Conditions:
Hennekam lymphangiectasia-lymphedema syndrome 1 (HKLLS1). Also called: LYMPHATIC DYSPLASIA, GENERALIZED. Identifiers: Orphanet 2136, MedGen C4012050, MONDO:0009337, OMIM 235510.

Allele frequency attached by ClinVar (database versions not stated): gnomAD exomes 0.00735; 1000 Genomes Project 0.09365; 1000 Genomes Project 30x 0.09572; gnomAD 0.15686 and 0.15943.
gnomAD v4.1: 16,242 of 103,904 alleles (16%); highest among the groups gnomAD compares: African/African-American, 23%; 1,094 homozygotes.

Submissions (2):

Illumina Laboratory Services, Illumina
Classification: Benign for Hennekam lymphangiectasia-lymphedema syndrome 1. Last evaluated: 2018-01-12. Review status: criteria provided, single submitter. Criteria: ICSL Variant Classification Criteria 13 December 2019. Collection method: clinical testing. Allele origin: germline.
Comment: This variant was observed in the ICSL laboratory as part of a predisposition screen in an ostensibly healthy population. It had not been previously curated by ICSL or reported in the Human Gene Mutation Database (HGMD: prior to June 1st, 2018), and was therefore a candidate for classification through an automated scoring system. Utilizing variant allele frequency, disease prevalence and penetrance estimates, and inheritance mode, an automated score was calculated to assess if this variant is too frequent to cause the disease. Based on the score and internal cut-off values, a variant classified as benign is not then subjected to further curation. The score for this variant resulted in a classification of benign for this disease.

Breakthrough Genomics
Classification: Benign. Review status: criteria provided, single submitter. Criteria: ACMG Guidelines, 2015. Collection method: not provided. Allele origin: germline. Inheritance: Autosomal recessive inheritance. Affected: yes.

NM_133459.4(CCBE1):c.*2020C>T

Gene: CCBE1 (collagen and calcium binding EGF domains 1; minus strand). Cytogenetic location: 18q21.32.
Variant type: single nucleotide variant.
Coding change: c.*2020C>T on transcript NM_133459.4 (MANE Select); 2020 bases downstream of the stop codon, C replaced by T.
Molecular consequence: 3 prime UTR variant.
Genome position (GRCh38, 1-based): chr18:59,433,888, G>A on the plus strand (C>T on the coding strand, the complement: CCBE1 is on the minus strand). VCF-style: chr18-59433888-G-A. GRCh37 (hg19) VCF-style: chr18-57101120-G-A.
Other names: c.*2020C>T (LRG_1209t1).
Identifiers: ClinVar variation 327655 (VCV000327655.6), dbSNP rs113599524, ClinGen allele CA10648013.